The following is an entry in ClinVar:

ClinVar aggregate classification (germline): Likely pathogenic (1 of 4 stars; one submission).

Submission:

GeneDx
Classification: Likely pathogenic. Last evaluated: 2023-06-18. Review status: criteria provided, single submitter. Criteria: GeneDx Variant Classification Process June 2021. Collection method: clinical testing. Allele origin: germline. Affected: yes.
Comment: Located in a region of TTN within the I-band in which the majority of loss of function variants are significantly associated with autosomal dominant titinopathies (Deo et al., 2016; Schafer et al., 2017); Not observed at significant frequency in large population cohorts (gnomAD); Has not been previously published as pathogenic or benign to our knowledge; This variant is associated with the following publications: (PMID: 27625338, 27869827)

NM_001267550.2(TTN):c.7694G>A (p.Trp2565Ter)

Gene: TTN (titin; minus strand). Cytogenetic location: 2q31.2.
Variant type: single nucleotide variant.
Coding change: c.7694G>A on transcript NM_001267550.2 (MANE Select); coding-DNA position 7694, G replaced by A.
Protein change: p.Trp2565Ter; replaces tryptophan 2565 with a stop codon.
Molecular consequence: nonsense.
Genome position (GRCh38, 1-based): chr2:178,773,270, C>T on the plus strand (G>A on the coding strand, the complement: TTN is on the minus strand). VCF-style: chr2-178773270-C-T. GRCh37 (hg19) VCF-style: chr2-179637997-C-T.
Other names: c.7694G>A, p.Trp2565Ter (NM_001256850.1, NM_133378.4, NM_133379.5); c.7556G>A, p.Trp2519Ter (NM_003319.4, NM_133432.3, NM_133437.4); short protein forms W2519*, W2565*.
Identifiers: ClinVar variation 2506644 (VCV002506644.1), dbSNP rs2532657662, ClinGen allele CA349679196.